The following is an entry in ClinVar:

ClinVar aggregate classification (germline): Uncertain significance (1 of 4 stars; one submission).

Conditions:
Muscular dystrophy-dystroglycanopathy (congenital with impaired intellectual development), type B, 3. Also called: Muscular dystrophy-dystroglycanopathy (congenital with intellectual disability), type B3; MUSCULAR DYSTROPHY, CONGENITAL, POMGNT1-RELATED. Identifiers: MedGen C3150412, MONDO:0013155, OMIM 613151.
Autosomal recessive limb-girdle muscular dystrophy type 2O. Also called: Limb-Girdle Muscular Dystrophy Type 3C; MUSCULAR DYSTROPHY-DYSTROGLYCANOPATHY (LIMB-GIRDLE), TYPE C, 3; MUSCULAR DYSTROPHY-DYSTROGLYCANOPATHY, LIMB-GIRDLE, POMGNT1-RELATED. Identifiers: Orphanet 206564, MedGen C3150417, MONDO:0013161, OMIM 613157.

Submission:

Labcorp Genetics (formerly Invitae), Labcorp
Classification: Uncertain significance for Autosomal recessive limb-girdle muscular dystrophy type 2O; Muscular dystrophy-dystroglycanopathy (congenital with impaired intellectual development), type B, 3. Last evaluated: 2022-08-03. Review status: criteria provided, single submitter. Criteria: Invitae Variant Classification Sherloc (09022015). Collection method: clinical testing. Allele origin: germline.
Comment: In summary, the available evidence is currently insufficient to determine the role of this variant in disease. Therefore, it has been classified as a Variant of Uncertain Significance. This variant has not been reported in the literature in individuals affected with POMGNT1-related conditions. This variant results in a copy number gain of the genomic region encompassing exon(s) 5-22 of the POMGNT1 gene. This region includes the termination codon of the gene. This copy number gain extends beyond the assayed region for this gene and therefore may encompass additional genes. As the precise location of this event is unknown, it may be in tandem or it may be located elsewhere in the genome.

NC_000001.10:g.(?_46654942)_(46661769_?)dup

Gene: POMGNT1 (protein O-linked mannose N-acetylglucosaminyltransferase 1 (beta 1,2-); minus strand). Cytogenetic location: 1p34.1.
Variant type: Duplication.
Identifiers: ClinVar variation 2426345 (VCV002426345.6).